The following is an entry in ClinVar:

NM_015057.5(MYCBP2):c.1974A>C (p.Glu658Asp)

Gene: MYCBP2 (MYC binding protein 2; minus strand). Cytogenetic location: 13q22.3.
Variant type: single nucleotide variant.
Coding change: c.1974A>C on transcript NM_015057.5 (MANE Select); coding-DNA position 1974, A replaced by C.
Protein change: p.Glu658Asp; replaces glutamic acid 658 with aspartic acid.
Molecular consequence: missense variant.
Genome position (GRCh38, 1-based): chr13:77,260,471, T>G on the plus strand (A>C on the coding strand, the complement: MYCBP2 is on the minus strand). VCF-style: chr13-77260471-T-G. GRCh37 (hg19) VCF-style: chr13-77834606-T-G.
Other names: short protein forms E658D.
Identifiers: ClinVar variation 2507346 (VCV002507346.4), dbSNP rs749932287, ClinGen allele CA388409077.

ClinVar aggregate classification (germline): Uncertain significance (1 of 4 stars; one submission).

Submission:

GeneDx
Classification: Uncertain significance. Last evaluated: 2025-10-24. Review status: criteria provided, single submitter. Criteria: GeneDx Variant Classification Process June 2021. Collection method: clinical testing. Allele origin: germline. Affected: yes.
Comment: Not observed at significant frequency in large population cohorts (gnomAD); In silico analysis suggests that this missense variant does not alter protein structure/function; Has not been previously published as pathogenic or benign to our knowledge